The following is an entry in ClinVar:

NM_033064.5(ATCAY):c.810C>T (p.Ile270=)

Gene: ATCAY (ATCAY kinesin light chain interacting caytaxin; plus strand). Cytogenetic location: 19p13.3.
Variant type: single nucleotide variant.
Coding change: c.810C>T on transcript NM_033064.5 (MANE Select); coding-DNA position 810, C replaced by T.
Protein change: p.Ile270=; no amino-acid change (isoleucine 270 retained).
Molecular consequence: synonymous variant.
Genome position (GRCh38, 1-based): chr19:3,910,833, C>T. VCF-style: chr19-3910833-C-T. GRCh37 (hg19) VCF-style: chr19-3910831-C-T.
Other names: p.Ile270=.
Identifiers: ClinVar variation 329151 (VCV000329151.13), dbSNP rs61746441, ClinGen allele CA9087333.

ClinVar aggregate classification (germline): Benign. Review status: criteria provided, multiple submitters, no conflicts (2 of 4 stars). 5 submissions from 5 submitters: Benign (4). 1 of the submissions does not count toward it. Last evaluated 2024-07-24.

Conditions:
ATCAY-related disorder. Also called: ATCAY-related condition.
Cayman type cerebellar ataxia. Also called: Cayman ataxia. Identifiers: Orphanet 94122, MedGen C1832585, MONDO:0011025, OMIM 601238.

Allele frequency attached by ClinVar (database versions not stated): gnomAD exomes 0.00090 and 0.00234; ExAC 0.00262; ESP Exome Variant Server 0.00887; gnomAD 0.01003 and 0.01075; TOPMed 0.01116; 1000 Genomes Project 0.01338; 1000 Genomes Project 30x 0.01343.
gnomAD v4.1: 2,913 of 1,614,034 alleles (0.18%); highest among the groups gnomAD compares: African/African-American, 3.4%; 55 homozygotes.

Submissions (5):

Mayo Clinic Laboratories, Mayo Clinic
Classification: Benign. Last evaluated: 2024-07-24. Review status: criteria provided, single submitter. Criteria: ACMG Guidelines, 2015. Collection method: clinical testing. Allele origin: germline. Observed: 4 variant alleles.
Comment: BS1, BS2, BP4, BP7

Labcorp Genetics (formerly Invitae), Labcorp
Classification: Benign. Last evaluated: 2019-12-31. Review status: criteria provided, single submitter. Criteria: Invitae Variant Classification Sherloc (09022015). Collection method: clinical testing. Allele origin: germline.

Illumina Laboratory Services, Illumina
Classification: Benign for Cayman type cerebellar ataxia. Last evaluated: 2018-01-13. Review status: criteria provided, single submitter. Criteria: ICSL Variant Classification Criteria 13 December 2019. Collection method: clinical testing. Allele origin: germline.
Comment: This variant was observed in the ICSL laboratory as part of a predisposition screen in an ostensibly healthy population. It had not been previously curated by ICSL or reported in the Human Gene Mutation Database (HGMD: prior to June 1st, 2018), and was therefore a candidate for classification through an automated scoring system. Utilizing variant allele frequency, disease prevalence and penetrance estimates, and inheritance mode, an automated score was calculated to assess if this variant is too frequent to cause the disease. Based on the score and internal cut-off values, a variant classified as benign is not then subjected to further curation. The score for this variant resulted in a classification of benign for this disease.

Breakthrough Genomics
Classification: Benign. Review status: criteria provided, single submitter. Criteria: ACMG Guidelines, 2015. Collection method: not provided. Allele origin: germline. Inheritance: Autosomal recessive inheritance. Affected: yes.

PreventionGenetics, part of Exact Sciences
Classification: Benign for ATCAY-related condition. Last evaluated: 2019-11-06. Review status: no assertion criteria provided. Collection method: clinical testing. Allele origin: germline. Not counted in ClinVar's aggregate classification.
Comment: This variant is classified as benign based on ACMG/AMP sequence variant interpretation guidelines (Richards et al. 2015 PMID: 25741868, with internal and published modifications).